The following is an entry in ClinVar:

ClinVar aggregate classification (germline): Uncertain significance. Review status: criteria provided, multiple submitters, no conflicts (2 of 4 stars). 2 submissions from 2 submitters: Uncertain significance (2). Last evaluated 2025-06-12.

Conditions:
Inborn genetic diseases. Identifiers: MedGen C0950123, MeSH D030342.
Macular corneal dystrophy (MCD). Also called: Macular corneal dystrophy Type I; GROENOUW TYPE II CORNEAL DYSTROPHY. Identifiers: Orphanet 98969, MedGen C1636149, MONDO:0009020, OMIM 217800.

Allele frequency attached by ClinVar (database versions not stated): gnomAD exomes 0.00002 and 0.00004; ExAC 0.00003; gnomAD 0.00009 and 0.00011; TOPMed 0.00013.
gnomAD v4.1: 41 of 1,609,798 alleles (0.0025%); highest among the groups gnomAD compares: African/African-American, 0.025%; no homozygotes.

Submissions (2):

Labcorp Genetics (formerly Invitae), Labcorp
Classification: Uncertain significance for Macular corneal dystrophy. Last evaluated: 2025-06-12. Review status: criteria provided, single submitter. Criteria: Invitae Variant Classification Sherloc (09022015). Collection method: clinical testing. Allele origin: germline.
Comment: This sequence change replaces arginine, which is basic and polar, with cysteine, which is neutral and slightly polar, at codon 267 of the CHST6 protein (p.Arg267Cys). This variant is present in population databases (rs750027288, gnomAD 0.03%). This variant has not been reported in the literature in individuals affected with CHST6-related conditions. ClinVar contains an entry for this variant (Variation ID: 1507306). Invitae Evidence Modeling of protein sequence and biophysical properties (such as structural, functional, and spatial information, amino acid conservation, physicochemical variation, residue mobility, and thermodynamic stability) indicates that this missense variant is expected to disrupt CHST6 protein function with a positive predictive value of 80%. In summary, the available evidence is currently insufficient to determine the role of this variant in disease. Therefore, it has been classified as a Variant of Uncertain Significance.

Ambry Genetics
Classification: Uncertain significance for Inborn genetic diseases. Last evaluated: 2025-01-17. Review status: criteria provided, single submitter. Criteria: Ambry Variant Classification Scheme 2023. Collection method: clinical testing. Allele origin: germline.

NM_021615.5(CHST6):c.799C>T (p.Arg267Cys)

Gene: CHST6 (carbohydrate sulfotransferase 6; minus strand). Cytogenetic location: 16q23.1.
Variant type: single nucleotide variant.
Coding change: c.799C>T on transcript NM_021615.5 (MANE Select); coding-DNA position 799, C replaced by T.
Protein change: p.Arg267Cys; replaces arginine 267 with cysteine.
Molecular consequence: missense variant.
Genome position (GRCh38, 1-based): chr16:75,479,030, G>A on the plus strand (C>T on the coding strand, the complement: CHST6 is on the minus strand). VCF-style: chr16-75479030-G-A. GRCh37 (hg19) VCF-style: chr16-75512928-G-A.
Other names: c.799C>T (NM_021615.4); short protein forms R267C.
Identifiers: ClinVar variation 1507306 (VCV001507306.7), dbSNP rs750027288, ClinGen allele CA8175389.